The following is an entry in ClinVar:

NM_004820.5(CYP7B1):c.924T>G (p.Leu308=)

Gene: CYP7B1 (cytochrome P450 family 7 subfamily B member 1; minus strand). Cytogenetic location: 8q12.3.
Variant type: single nucleotide variant.
Coding change: c.924T>G on transcript NM_004820.5 (MANE Select); coding-DNA position 924, T replaced by G.
Protein change: p.Leu308=; no amino-acid change (leucine 308 retained).
Molecular consequence: synonymous variant.
Genome position (GRCh38, 1-based): chr8:64,615,159, A>C on the plus strand (T>G on the coding strand, the complement: CYP7B1 is on the minus strand). VCF-style: chr8-64615159-A-C. GRCh37 (hg19) VCF-style: chr8-65527716-A-C.
Other names: c.924T>G, p.Leu308= (NM_001324112.2); c.924T>G (NM_004820.4).
Identifiers: ClinVar variation 1299122 (VCV001299122.39), dbSNP rs754533279, ClinGen allele CA4764112.

ClinVar aggregate classification (germline): Conflicting classifications of pathogenicity. Review status: criteria provided, conflicting classifications (1 of 4 stars). 3 submissions from 3 submitters: Uncertain significance (1); Likely benign (1). 1 of the submissions does not count toward it. Last evaluated 2024-09-24.

Conditions:
Spastic paraplegia. Identifiers: MedGen C0037772, HP:0001258.
CYP7B1-related disorder. Also called: CYP7B1-related condition.

Allele frequency attached by ClinVar (database versions not stated): gnomAD exomes below 0.00001; ExAC 0.00001.

Submissions (3):

Labcorp Genetics (formerly Invitae), Labcorp
Classification: Likely benign for Spastic paraplegia. Last evaluated: 2024-09-24. Review status: criteria provided, single submitter. Criteria: Invitae Variant Classification Sherloc (09022015). Collection method: clinical testing. Allele origin: germline.

CeGaT Center for Human Genetics Tuebingen
Classification: Uncertain significance. Last evaluated: 2021-09-01. Review status: criteria provided, single submitter. Criteria: CeGaT Center For Human Genetics Tuebingen Variant Classification Criteria Version 2. Collection method: clinical testing. Allele origin: germline. Affected: yes. Observed: 1 variant allele.

PreventionGenetics, part of Exact Sciences
Classification: Likely benign for CYP7B1-related condition. Last evaluated: 2021-03-09. Review status: no assertion criteria provided. Collection method: clinical testing. Allele origin: germline. Not counted in ClinVar's aggregate classification.
Comment: This variant is classified as likely benign based on ACMG/AMP sequence variant interpretation guidelines (Richards et al. 2015 PMID: 25741868, with internal and published modifications).